The following is an entry in ClinVar:

ClinVar aggregate classification (germline): Pathogenic (1 of 4 stars; one submission).

Submission:

Labcorp Genetics (formerly Invitae), Labcorp
Classification: Pathogenic. Last evaluated: 2022-09-02. Review status: criteria provided, single submitter. Criteria: Invitae Variant Classification Sherloc (09022015). Collection method: clinical testing. Allele origin: germline.
Comment: For these reasons, this variant has been classified as Pathogenic. This variant has not been reported in the literature in individuals affected with C1QBP-related conditions. This variant is not present in population databases (gnomAD no frequency). This sequence change creates a premature translational stop signal (p.Ala81Ilefs*3) in the C1QBP gene. It is expected to result in an absent or disrupted protein product. Loss-of-function variants in C1QBP are known to be pathogenic (PMID: 28498888, 28942965).

Literature cited by the submitters: PubMed 28498888; PubMed 28942965.

NM_001212.4(C1QBP):c.240_249del (p.Ala81fs)

Gene: C1QBP (complement C1q binding protein; minus strand). Cytogenetic location: 17p13.2.
Variant type: Deletion.
Coding change: c.240_249del on transcript NM_001212.4 (MANE Select); coding-DNA positions 240 to 249, 10 bases deleted (AGCTTTTGTT; older notation c.240_249delAGCTTTTGTT).
Protein change: p.Ala81fs; shifts the reading frame from alanine 81.
Molecular consequence: frameshift variant.
Genome position (GRCh38, 1-based): chr17:5,438,257-5,438,266, AACAAAAGCT deleted on the plus strand (AGCTTTTGTT on the coding strand, the reverse complement: C1QBP is on the minus strand). VCF-style (leftmost placement, unchanged base first): chr17-5438256-CAACAAAAGCT-C. GRCh37 (hg19) VCF-style: chr17-5341576-CAACAAAAGCT-C.
Other names: short protein forms A81fs.
Identifiers: ClinVar variation 2028678 (VCV002028678.4), dbSNP rs2507770002, ClinGen allele CA2580093534.